The following is an entry in ClinVar:

ClinVar aggregate classification (germline): Uncertain significance (1 of 4 stars; one submission).

Conditions:
Cardiovascular phenotype. Identifiers: MedGen CN230736.

Submission:

Ambry Genetics
Classification: Uncertain significance for Cardiovascular phenotype. Last evaluated: 2025-12-21. Review status: criteria provided, single submitter. Criteria: Ambry Variant Classification Scheme 2023. Collection method: clinical testing. Allele origin: germline.
Comment: The p.E3925A variant (also known as c.11774A>C), located in coding exon 2 of the ZNF469 gene, results from an A to C substitution at nucleotide position 11774. The glutamic acid at codon 3925 is replaced by alanine, an amino acid with dissimilar properties. This amino acid position is conserved. In addition, this alteration is predicted to be tolerated by in silico analysis. Based on the available evidence, the clinical significance of this variant remains unclear.

NM_001127464.1:c.11774A>C

Gene: ZNF469 (zinc finger protein 469; plus strand).
Variant type: single nucleotide variant.
Identifiers: ClinVar variation 4842237 (VCV004842237.1).